The following is an entry in ClinVar:

Conditions:
Long QT syndrome 5 (LQT5). Identifiers: Orphanet 101016, Orphanet 768, MedGen C1867904, MONDO:0013372, OMIM 613695.

Submission:

Roden Lab, Vanderbilt University Medical Center
No classification provided (evidence only). Condition: Long QT syndrome 5. Review status: no classification provided. Collection method: in vitro. Allele origin: not applicable. Functional consequence: Effect on ion channel function.
ClinVar note: "not provided" was previously submitted as the classification for the variant. However, the classification appeared to be based only on an observation of functional data so it was converted to no classification on 2025-07-30.

NM_000219.6(KCNE1):c.301G>T (p.Glu101Ter)

Gene: KCNE1 (potassium voltage-gated channel subfamily E regulatory subunit 1; minus strand). Cytogenetic location: 21q22.12.
Variant type: single nucleotide variant.
Coding change: c.301G>T on transcript NM_000219.6 (MANE Select); coding-DNA position 301, G replaced by T.
Protein change: p.Glu101Ter; replaces glutamic acid 101 with a stop codon.
Molecular consequence: nonsense.
Genome position (GRCh38, 1-based): chr21:34,449,334, C>A on the plus strand (G>T on the coding strand, the complement: KCNE1 is on the minus strand). VCF-style: chr21-34449334-C-A. GRCh37 (hg19) VCF-style: chr21-35821632-C-A.
Other names: c.301G>T, p.Glu101Ter (NM_001127668.4, NM_001127669.4, NM_001127670.4 and 4 more transcripts); short protein forms E101*.
Identifiers: ClinVar variation 3374576 (VCV003374576.2).